The following is an entry in ClinVar:

ClinVar aggregate classification (germline): Likely pathogenic (1 of 4 stars; one submission).

Conditions:
Autosomal recessive nonsyndromic hearing loss 3. Also called: NEUROSENSORY NONSYNDROMIC RECESSIVE DEAFNESS 3. Identifiers: Orphanet 90636, MedGen C1838263, MONDO:0010860, OMIM 600316.

Submission:

Institute of Rare Diseases, West China Hospital, Sichuan University
Classification: Likely pathogenic for Autosomal recessive nonsyndromic hearing loss 3. Last evaluated: 2025-01-09. Review status: criteria provided, single submitter. Criteria: ClinGen HL ACMG Specifications v1. Collection method: research. Allele origin: germline. Affected: yes.
Comment: PM3;PM5;PM2_Supporting;PP3

NM_016239.4(MYO15A):c.9229G>C (p.Ala3077Pro)

Gene: MYO15A (myosin XVA; plus strand). Cytogenetic location: 17p11.2.
Variant type: single nucleotide variant.
Coding change: c.9229G>C on transcript NM_016239.4 (MANE Select); coding-DNA position 9229, G replaced by C.
Protein change: p.Ala3077Pro; replaces alanine 3077 with proline.
Molecular consequence: missense variant.
Genome position (GRCh38, 1-based): chr17:18,159,347, G>C. VCF-style: chr17-18159347-G-C. GRCh37 (hg19) VCF-style: chr17-18062661-G-C.
Other names: short protein forms A3077P.
Identifiers: ClinVar variation 3601417 (VCV003601417.1).